The following is an entry in ClinVar:

ClinVar aggregate classification (germline): Uncertain significance (1 of 4 stars; one submission).

Conditions:
Hereditary cancer-predisposing syndrome. Also called: Tumor predisposition; Hereditary neoplastic syndrome; Neoplastic Syndromes, Hereditary; Hereditary Cancer Syndrome. Identifiers: Orphanet 140162, MedGen C0027672, MeSH D009386, MONDO:0015356.

Submission:

Ambry Genetics
Classification: Uncertain significance for Hereditary cancer-predisposing syndrome. Last evaluated: 2025-04-20. Review status: criteria provided, single submitter. Criteria: Ambry Variant Classification Scheme 2023. Collection method: clinical testing. Allele origin: germline.
Comment: The p.P855S variant (also known as c.2563C>T), located in coding exon 17 of the CTNNA1 gene, results from a C to T substitution at nucleotide position 2563. The proline at codon 855 is replaced by serine, an amino acid with similar properties. This amino acid position is conserved. In addition, the in silico prediction for this alteration is inconclusive. Based on the available evidence, the clinical significance of this variant remains unclear.

NM_001903.5(CTNNA1):c.2563C>T (p.Pro855Ser)

Gene: CTNNA1 (catenin alpha 1; plus strand). Cytogenetic location: 5q31.2.
Variant type: single nucleotide variant.
Coding change: c.2563C>T on transcript NM_001903.5 (MANE Select); coding-DNA position 2563, C replaced by T.
Protein change: p.Pro855Ser; replaces proline 855 with serine.
Molecular consequence: missense variant. On other transcripts: 3 prime UTR variant (5).
Genome position (GRCh38, 1-based): chr5:138,933,931, C>T. VCF-style: chr5-138933931-C-T. GRCh37 (hg19) VCF-style: chr5-138269620-C-T.
Other names: c.2536C>T, p.Pro846Ser (NM_001323985.2); c.2470C>T, p.Pro824Ser (NM_001323986.2); c.1453C>T, p.Pro485Ser (NM_001323987.1, NM_001323988.1, NM_001323989.1 and 12 more transcripts); c.*108C>T (NM_001324005.1, NM_001290307.3, NM_001324002.1 and 2 more transcripts); c.1114C>T, p.Pro372Ser (NM_001324006.1, NM_001324007.1, NM_001324008.1 and 2 more transcripts); c.1360C>T, p.Pro454Ser (NM_001324011.1); c.1210C>T, p.Pro404Ser (NM_001324012.1, NM_001324013.1); c.2254C>T, p.Pro752Ser (NM_001290309.3); and 3 more; short protein forms P440S, P732S, P824S, P846S, P372S, P752S, P454S, P404S.
Identifiers: ClinVar variation 4007985 (VCV004007985.1).